The following is an entry in ClinVar:

NM_152383.5(DIS3L2):c.2125G>C (p.Val709Leu)

Gene: DIS3L2 (DIS3 like 3'-5' exoribonuclease 2; plus strand). Cytogenetic location: 2q37.1.
Variant type: single nucleotide variant.
Coding change: c.2125G>C on transcript NM_152383.5 (MANE Select); coding-DNA position 2125, G replaced by C.
Protein change: p.Val709Leu; replaces valine 709 with leucine.
Molecular consequence: missense variant. On other transcripts: non-coding transcript variant (2), intron variant (1).
Genome position (GRCh38, 1-based): chr2:232,333,954, G>C. VCF-style: chr2-232333954-G-C. GRCh37 (hg19) VCF-style: chr2-233198664-G-C.
Other names: c.1582-9391G>C (NM_001257281.2); short protein forms V709L.
Identifiers: ClinVar variation 410729 (VCV000410729.8), dbSNP rs199537907, ClinGen allele CA2164398.

ClinVar aggregate classification (germline): Uncertain significance (1 of 4 stars; one submission).

Conditions:
Perlman syndrome (PRLMNS). Identifiers: Orphanet 2849, MedGen C0796113, MONDO:0009965, OMIM 267000.

gnomAD v4.1: 3 of 1,612,652 alleles (0.00019%); highest among the groups gnomAD compares: Middle Eastern, 0.017%; no homozygotes.

Submission:

Labcorp Genetics (formerly Invitae), Labcorp
Classification: Uncertain significance for Perlman syndrome. Last evaluated: 2024-07-31. Review status: criteria provided, single submitter. Criteria: Invitae Variant Classification Sherloc (09022015). Collection method: clinical testing. Allele origin: germline.
Comment: This sequence change replaces valine, which is neutral and non-polar, with leucine, which is neutral and non-polar, at codon 709 of the DIS3L2 protein (p.Val709Leu). This variant is present in population databases (rs199537907, gnomAD 0.003%). This variant has not been reported in the literature in individuals affected with DIS3L2-related conditions. ClinVar contains an entry for this variant (Variation ID: 410729). Advanced modeling of protein sequence and biophysical properties (such as structural, functional, and spatial information, amino acid conservation, physicochemical variation, residue mobility, and thermodynamic stability) performed at Invitae indicates that this missense variant is not expected to disrupt DIS3L2 protein function with a negative predictive value of 80%. In summary, the available evidence is currently insufficient to determine the role of this variant in disease. Therefore, it has been classified as a Variant of Uncertain Significance.